The following is an entry in ClinVar:

ClinVar aggregate classification (germline): Uncertain significance (1 of 4 stars; one submission).

Conditions:
Primary ciliary dyskinesia 6. Also called: Primary Ciliary Dyskinesia 6: TXNDC3-Related Primary Ciliary Dyskinesia. Identifiers: Orphanet 244, MedGen C1970506, MONDO:0012571, OMIM 610852.

Allele frequency attached by ClinVar (database versions not stated): gnomAD 0.00001; gnomAD exomes 0.00001; TOPMed 0.00001.
gnomAD v4.1: 22 of 1,613,796 alleles (0.0014%); highest among the groups gnomAD compares: Non-Finnish European, 0.0019%; no homozygotes.

Submission:

Labcorp Genetics (formerly Invitae), Labcorp
Classification: Uncertain significance for Primary ciliary dyskinesia 6. Last evaluated: 2022-10-07. Review status: criteria provided, single submitter. Criteria: Invitae Variant Classification Sherloc (09022015). Collection method: clinical testing. Allele origin: germline.
Comment: In summary, the available evidence is currently insufficient to determine the role of this variant in disease. Therefore, it has been classified as a Variant of Uncertain Significance. Advanced modeling of protein sequence and biophysical properties (such as structural, functional, and spatial information, amino acid conservation, physicochemical variation, residue mobility, and thermodynamic stability) performed at Invitae indicates that this missense variant is not expected to disrupt NME8 protein function. This variant has not been reported in the literature in individuals affected with NME8-related conditions. This variant is present in population databases (no rsID available, gnomAD 0.002%). This sequence change replaces aspartic acid, which is acidic and polar, with histidine, which is basic and polar, at codon 245 of the NME8 protein (p.Asp245His).

NM_016616.5(NME8):c.733G>C (p.Asp245His)

Gene: NME8 (NME/NM23 family member 8; plus strand). Cytogenetic location: 7p14.1.
Variant type: single nucleotide variant.
Coding change: c.733G>C on transcript NM_016616.5 (MANE Select); coding-DNA position 733, G replaced by C.
Protein change: p.Asp245His; replaces aspartic acid 245 with histidine.
Molecular consequence: missense variant.
Genome position (GRCh38, 1-based): chr7:37,867,813, G>C. VCF-style: chr7-37867813-G-C. GRCh37 (hg19) VCF-style: chr7-37907415-G-C.
Other names: short protein forms D245H.
Identifiers: ClinVar variation 2159019 (VCV002159019.4), dbSNP rs965048909, ClinGen allele CA157156538.